The following is an entry in ClinVar:

ClinVar aggregate classification (germline): Likely benign. Review status: reviewed by expert panel (3 of 4 stars). 5 submissions from 5 submitters: Likely benign (1). 4 of the submissions do not count toward it. Last evaluated 2025-02-18.

Conditions:
Glanzmann thrombasthenia. Also called: THROMBASTHENIA OF GLANZMANN AND NAEGELI; Glanzmann's thrombasthenia; PLATELET GLYCOPROTEIN IIb-IIIa DEFICIENCY; Thrombasthenia. Identifiers: Orphanet 849, MedGen C0040015, MONDO:0100326.

Allele frequency attached by ClinVar (database versions not stated): ESP Exome Variant Server 0.00015; gnomAD 0.00016 and 0.00017; TOPMed 0.00016; ExAC 0.00023; gnomAD exomes 0.00029 and 0.00035.
gnomAD v4.1: 537 of 1,614,210 alleles (0.033%); highest among the groups gnomAD compares: South Asian, 0.049%; no homozygotes.

Submissions (5):

ClinGen Platelet Disorders Variant Curation Expert Panel, ClinGen
Classification: Likely benign for Glanzmann thrombasthenia. Last evaluated: 2025-02-18. Review status: reviewed by expert panel. Criteria: ClinGen Platelet ACMG Specifications v2-1. Collection method: curation. Allele origin: germline. Inheritance: Autosomal recessive inheritance.
Comment: The c.1394-14C>T variant in ITGA2B is an intronic variant located within intron 13 of ITGA2B. It has been reported in ClinVar as part of a predisposition screen in an ostensibly healthy population. Thec.1394-14C>T variant is not predicted by SpliceAI to impact splicing. In addition, it occurs at a nucleotide that is not conserved as shown by phyloP score of 0.023 (BP4, BP7). The highest population minor allele frequency in gnomAD v4.0.0 is 0.0004941 (45/91078 alleles) in the South Asian population. This intermediate allele frequency is lower than the ClinGen PD VCEP threshold (>0.00158) for BS1 but higher than the threshold (<0.0001) for PM2_Supporting. After a thorough literature search, this variant was not found to be reported in any published papers containing individuals with Glanzmann thrombasthenia. In summary, this variant meets the criteria to be classified as likely benign for autosomal recessive Glanzmann Thrombasthenia based on the ACMG/AMP criteria applied, as specified by the ClinGen PD VCEP: BP4, BP7. (VCEP specifications version 2)

Labcorp Genetics (formerly Invitae), Labcorp
Classification: Likely benign for Glanzmann thrombasthenia. Last evaluated: 2026-01-18. Review status: criteria provided, single submitter. Criteria: Invitae Variant Classification Sherloc (09022015). Collection method: clinical testing. Allele origin: germline. Not counted in ClinVar's aggregate classification.

Blueprint Genetics
Classification: Likely benign. Last evaluated: 2024-10-04. Review status: criteria provided, single submitter. Criteria: ACMG Guidelines, 2015. Collection method: clinical testing. Allele origin: germline. Not counted in ClinVar's aggregate classification.

Women's Health and Genetics/Laboratory Corporation of America, LabCorp
Classification: Likely benign. Last evaluated: 2023-12-20. Review status: criteria provided, single submitter. Criteria: LabCorp Variant Classification Summary - May 2015. Collection method: clinical testing. Allele origin: germline. Not counted in ClinVar's aggregate classification.
Comment: Variant summary: ITGA2B c.1394-14C>T alters a non-conserved nucleotide located at a position not widely known to affect splicing. Consensus agreement among computation tools predict no significant impact on normal splicing. However, these predictions have yet to be confirmed by functional studies. The variant allele was found at a frequency of 0.00029 in 251438 control chromosomes (gnomAD). To our knowledge, no occurrence of c.1394-14C>T in individuals affected with ITGA2B-Related Disorders and no experimental evidence demonstrating its impact on protein function have been reported. Two submitters have cited clinical-significance assessments for this variant to ClinVar after 2014. One submitter classified the variant as likely benign, and one submitter classified the variant as uncertain significance. Based on the evidence outlined above, the variant was classified as likely benign.

Illumina Laboratory Services, Illumina
Classification: Uncertain significance for Glanzmann thrombasthenia 1. Last evaluated: 2018-01-13. Review status: criteria provided, single submitter. Criteria: ICSL Variant Classification Criteria 13 December 2019. Collection method: clinical testing. Allele origin: germline. Not counted in ClinVar's aggregate classification.

NM_000419.5(ITGA2B):c.1394-14C>T

Gene: ITGA2B (integrin subunit alpha 2b; minus strand). Cytogenetic location: 17q21.31.
Variant type: single nucleotide variant.
Coding change: c.1394-14C>T on transcript NM_000419.5 (MANE Select); 14 bases into the intron before coding-DNA position 1394, C replaced by T.
Molecular consequence: intron variant.
Genome position (GRCh38, 1-based): chr17:44,380,659, G>A on the plus strand (C>T on the coding strand, the complement: ITGA2B is on the minus strand). VCF-style: chr17-44380659-G-A. GRCh37 (hg19) VCF-style: chr17-42458027-G-A.
Other names: c.1394-14C>T (LRG_479t1).
Identifiers: ClinVar variation 323557 (VCV000323557.13), dbSNP rs368062044, ClinGen allele CA8603110.